The following is an entry in ClinVar:

NM_000208.4(INSR):c.3435C>T (p.Asp1145=)

Gene: INSR (insulin receptor; minus strand). Cytogenetic location: 19p13.2.
Variant type: single nucleotide variant.
Coding change: c.3435C>T on transcript NM_000208.4 (MANE Select); coding-DNA position 3435, C replaced by T.
Protein change: p.Asp1145=; no amino-acid change (aspartic acid 1145 retained).
Molecular consequence: synonymous variant.
Genome position (GRCh38, 1-based): chr19:7,122,708, G>A on the plus strand (C>T on the coding strand, the complement: INSR is on the minus strand). VCF-style: chr19-7122708-G-A. GRCh37 (hg19) VCF-style: chr19-7122719-G-A.
Other names: c.3435C>T (NM_000208.3); c.3399C>T, p.Asp1133= (NM_001079817.3).
Identifiers: ClinVar variation 2887735 (VCV002887735.5), dbSNP rs367920422, ClinGen allele CA9135248.

ClinVar aggregate classification (germline): Likely benign. Review status: criteria provided, single submitter (1 of 4 stars). 2 submissions from 2 submitters: Likely benign (1). 1 of the submissions does not count toward it. Last evaluated 2023-06-04.

Conditions:
INSR-related disorder.

Allele frequency attached by ClinVar (database versions not stated): ExAC 0.00005; ESP Exome Variant Server 0.00008; gnomAD 0.00008; TOPMed 0.00010.
gnomAD v4.1: 166 of 1,614,038 alleles (0.01%); highest among the groups gnomAD compares: Non-Finnish European, 0.013%; no homozygotes.

Submissions (2):

Labcorp Genetics (formerly Invitae), Labcorp
Classification: Likely benign. Last evaluated: 2023-06-04. Review status: criteria provided, single submitter. Criteria: Invitae Variant Classification Sherloc (09022015). Collection method: clinical testing. Allele origin: germline.

PreventionGenetics, part of Exact Sciences
Classification: Likely benign for INSR-related condition. Last evaluated: 2023-10-12. Review status: no assertion criteria provided. Collection method: clinical testing. Allele origin: germline. Not counted in ClinVar's aggregate classification.
Comment: This variant is classified as likely benign based on ACMG/AMP sequence variant interpretation guidelines (Richards et al. 2015 PMID: 25741868, with internal and published modifications).